The following is an entry in ClinVar:

ClinVar aggregate classification (germline): Conflicting classifications of pathogenicity. Review status: criteria provided, conflicting classifications (1 of 4 stars). 2 submissions from 2 submitters: Uncertain significance (1); Likely benign (1). Last evaluated 2024-03-21.

Conditions:
Developmental and epileptic encephalopathy 94 (DEE94). Also called: Epileptic encephalopathy, childhood-onset; CHD2-Related Neurodevelopmental Disorders. Identifiers: Orphanet 1942, Orphanet 2382, MedGen C3809278, MONDO:0014150, OMIM 615369.

Allele frequency attached by ClinVar (database versions not stated): gnomAD exomes below 0.00001.
gnomAD v4.1: 7 of 1,614,194 alleles (0.00043%); highest among the groups gnomAD compares: South Asian, 0.0011%; no homozygotes.

Submissions (2):

Labcorp Genetics (formerly Invitae), Labcorp
Classification: Uncertain significance for Developmental and epileptic encephalopathy 94. Last evaluated: 2024-03-21. Review status: criteria provided, single submitter. Criteria: Invitae Variant Classification Sherloc (09022015). Collection method: clinical testing. Allele origin: germline.
Comment: This sequence change replaces proline, which is neutral and non-polar, with alanine, which is neutral and non-polar, at codon 1791 of the CHD2 protein (p.Pro1791Ala). This variant is present in population databases (no rsID available, gnomAD 0.003%). This variant has not been reported in the literature in individuals affected with CHD2-related conditions. ClinVar contains an entry for this variant (Variation ID: 450357). Advanced modeling of protein sequence and biophysical properties (such as structural, functional, and spatial information, amino acid conservation, physicochemical variation, residue mobility, and thermodynamic stability) performed at Invitae indicates that this missense variant is not expected to disrupt CHD2 protein function with a negative predictive value of 95%. In summary, the available evidence is currently insufficient to determine the role of this variant in disease. Therefore, it has been classified as a Variant of Uncertain Significance.

GeneDx
Classification: Likely benign. Last evaluated: 2021-04-22. Review status: criteria provided, single submitter. Criteria: GeneDx Variant Classification Process June 2021. Collection method: clinical testing. Allele origin: germline. Affected: yes.
Comment: Has not been previously published as pathogenic or benign to our knowledge; In silico analysis supports that this missense variant does not alter protein structure/function

NM_001271.4(CHD2):c.5371C>G (p.Pro1791Ala)

Gene: CHD2 (chromodomain helicase DNA binding protein 2; plus strand). Cytogenetic location: 15q26.1.
Variant type: single nucleotide variant.
Coding change: c.5371C>G on transcript NM_001271.4 (MANE Select); coding-DNA position 5371, C replaced by G.
Protein change: p.Pro1791Ala; replaces proline 1791 with alanine.
Molecular consequence: missense variant.
Genome position (GRCh38, 1-based): chr15:93,024,589, C>G. VCF-style: chr15-93024589-C-G. GRCh37 (hg19) VCF-style: chr15-93567819-C-G.
Other names: short protein forms P1791A.
Identifiers: ClinVar variation 450357 (VCV000450357.5), dbSNP rs1273588349, ClinGen allele CA393908637.